The following is an entry in ClinVar:

NM_002294.3(LAMP2):c.1093+2538G>A

Gene: LAMP2 (lysosomal associated membrane protein 2; minus strand). Cytogenetic location: Xq24.
Variant type: single nucleotide variant.
Coding change: c.1093+2538G>A on transcript NM_002294.3 (MANE Select); 2538 bases into the intron after coding-DNA position 1093, G replaced by A.
Molecular consequence: intron variant. On other transcripts: missense variant (1).
Genome position (GRCh38, 1-based): chrX:120,439,192, C>T on the plus strand (G>A on the coding strand, the complement: LAMP2 is on the minus strand). VCF-style: chrX-120439192-C-T. GRCh37 (hg19) VCF-style: chrX-119573047-C-T.
Other names: c.1195G>A, p.Gly399Ser (NM_013995.2); c.1093+2538G>A (NM_001122606.1); short protein forms G399S.
Identifiers: ClinVar variation 667254 (VCV000667254.5), dbSNP rs1602530706, ClinGen allele CA414398906.

ClinVar aggregate classification (germline): Uncertain significance. Review status: criteria provided, multiple submitters, no conflicts (2 of 4 stars). 2 submissions from 2 submitters: Uncertain significance (2). Last evaluated 2024-09-04.

Submissions (2):

GeneDx
Classification: Uncertain significance. Last evaluated: 2024-09-04. Review status: criteria provided, single submitter. Criteria: GeneDx Variant Classification Process June 2021. Collection method: clinical testing. Allele origin: germline. Affected: yes.
Comment: Not observed at significant frequency in large population cohorts (gnomAD); In silico analysis supports that this missense variant has a deleterious effect on protein structure/function; Has not been previously published as pathogenic or benign to our knowledge; Reported using an alternate transcript of the gene; This variant is associated with the following publications: (PMID: 27535533)

Laboratory for Molecular Medicine, Mass General Brigham Personalized Medicine
Classification: Uncertain significance. Last evaluated: 2018-10-11. Review status: criteria provided, single submitter. Criteria: LMM Criteria. Collection method: clinical testing. Allele origin: germline. Observed: 1 variant allele.
Comment: The p.Gly399Ser variant in LAMP2 has not been previously reported in individuals with cardiomyopathy and was absent from large population studies. Computational prediction tools and conservation analysis suggest that this variant may impact the protein, though this information is not predictive enough to determine path ogenicity. In summary, the clinical significance of the p.Gly399Ser variant is u ncertain. ACMG/AMP Criteria applied: PM2, PP3.